The following is an entry in ClinVar:

NM_004563.4(PCK2):c.1300A>G (p.Met434Val)

Genes: NRL (neural retina leucine zipper; minus strand), PCK2 (phosphoenolpyruvate carboxykinase 2, mitochondrial; plus strand). Cytogenetic location: 14q12.
Variant type: single nucleotide variant.
Coding change: c.1300A>G on transcript NM_004563.4 (MANE Select); coding-DNA position 1300, A replaced by G.
Protein change: p.Met434Val; replaces methionine 434 with valine.
Molecular consequence: missense variant. On other transcripts: intron variant (3).
Genome position (GRCh38, 1-based): chr14:24,102,818, A>G. VCF-style: chr14-24102818-A-G. GRCh37 (hg19) VCF-style: chr14-24572027-A-G.
Other names: c.898A>G, p.Met300Val (NM_001291556.2, NM_001308054.2); c.-28+11904T>C (NM_001354768.3, NM_001354770.2); c.-254+11904T>C (NM_006177.5); short protein forms M434V, M300V.
Identifiers: ClinVar variation 1924459 (VCV001924459.5), dbSNP rs200768361, ClinGen allele CA7123443.

ClinVar aggregate classification (germline): Uncertain significance (1 of 4 stars; one submission).

Allele frequency attached by ClinVar (database versions not stated): TOPMed 0.00001; gnomAD 0.00002; gnomAD exomes 0.00002; ExAC 0.00004; 1000 Genomes Project 30x 0.00016; 1000 Genomes Project 0.00020.
gnomAD v4.1: 38 of 1,613,934 alleles (0.0024%); highest among the groups gnomAD compares: Non-Finnish European, 0.0021%; no homozygotes.

Submission:

Labcorp Genetics (formerly Invitae), Labcorp
Classification: Uncertain significance. Last evaluated: 2022-08-22. Review status: criteria provided, single submitter. Criteria: Invitae Variant Classification Sherloc (09022015). Collection method: clinical testing. Allele origin: germline.
Comment: This variant is present in population databases (rs200768361, gnomAD 0.009%). In summary, the available evidence is currently insufficient to determine the role of this variant in disease. Therefore, it has been classified as a Variant of Uncertain Significance. Algorithms developed to predict the effect of missense changes on protein structure and function (SIFT, PolyPhen-2, Align-GVGD) all suggest that this variant is likely to be tolerated. This variant has not been reported in the literature in individuals affected with PCK2-related conditions. This sequence change replaces methionine, which is neutral and non-polar, with valine, which is neutral and non-polar, at codon 434 of the PCK2 protein (p.Met434Val).